The following is an entry in ClinVar:

NM_015164.4(PLEKHM2):c.2815C>G (p.Gln939Glu)

Gene: PLEKHM2 (pleckstrin homology and RUN domain containing M2; plus strand). Cytogenetic location: 1p36.21.
Variant type: single nucleotide variant.
Coding change: c.2815C>G on transcript NM_015164.4 (MANE Select); coding-DNA position 2815, C replaced by G.
Protein change: p.Gln939Glu; replaces glutamine 939 with glutamic acid.
Molecular consequence: missense variant.
Genome position (GRCh38, 1-based): chr1:15,732,621, C>G. VCF-style: chr1-15732621-C-G. GRCh37 (hg19) VCF-style: chr1-16059116-C-G.
Other names: c.2755C>G, p.Gln919Glu (NM_001410755.1); short protein forms Q919E, Q939E.
Identifiers: ClinVar variation 3706059 (VCV003706059.2).
Genomic context (GRCh38, chr1:15,732,621, plus strand): 5'-CCTGCAGAAGGAAAGCTCTGGCTGCTCACCCGGGGGCCTGGCTCTCCCTAGGAGTTCTCC[C>G]AGGACAGCCAGCAGCTCCTCCCGCCCTGGGTCATCTACCTGAGCTGCACTTCTGAACTGG-3'
Protein context (NP_055979.2, residues 929-949): GKEYCVLEFS[Gln939Glu]DSQQLLPPWV

ClinVar aggregate classification (germline): Uncertain significance (1 of 4 stars; one submission).

Submission:

Labcorp Genetics (formerly Invitae), Labcorp
Classification: Uncertain significance. Last evaluated: 2024-08-31. Review status: criteria provided, single submitter. Criteria: Invitae Variant Classification Sherloc (09022015). Collection method: clinical testing. Allele origin: germline.
Comment: This sequence change replaces glutamine, which is neutral and polar, with glutamic acid, which is acidic and polar, at codon 939 of the PLEKHM2 protein (p.Gln939Glu). This variant is not present in population databases (gnomAD no frequency). This variant has not been reported in the literature in individuals affected with PLEKHM2-related conditions. An algorithm developed to predict the effect of missense changes on protein structure and function (PolyPhen-2) suggests that this variant is likely to be tolerated. In summary, the available evidence is currently insufficient to determine the role of this variant in disease. Therefore, it has been classified as a Variant of Uncertain Significance.